The following is an entry in ClinVar:

ClinVar aggregate classification (germline): Uncertain significance (1 of 4 stars; one submission).

Conditions:
ATP6V1B2-related disorder. Also called: ATP6V1B2-related condition.

Submission:

PreventionGenetics, part of Exact Sciences
Classification: Uncertain significance for ATP6V1B2-related condition. Last evaluated: 2026-01-13. Review status: criteria provided, single submitter. Criteria: ACMG Guidelines, 2015. Collection method: clinical testing. Allele origin: germline.
Comment: The ATP6V1B2 c.1166A>G variant is predicted to result in the amino acid substitution p.Tyr389Cys. To our knowledge, this variant has not been reported in the literature. This variant is reported in 0.00088% of alleles in individuals of European (Non-Finnish) descent in gnomAD. At this time, the clinical significance of this variant is uncertain due to the absence of conclusive functional and genetic evidence.

NM_001693.4(ATP6V1B2):c.1166A>G (p.Tyr389Cys)

Gene: ATP6V1B2 (ATPase H+ transporting V1 subunit B2; plus strand). Cytogenetic location: 8p21.3.
Variant type: single nucleotide variant.
Coding change: c.1166A>G on transcript NM_001693.4 (MANE Select); coding-DNA position 1166, A replaced by G.
Protein change: p.Tyr389Cys; replaces tyrosine 389 with cysteine.
Molecular consequence: missense variant.
Genome position (GRCh38, 1-based): chr8:20,217,224, A>G. VCF-style: chr8-20217224-A-G. GRCh37 (hg19) VCF-style: chr8-20074735-A-G.
Other names: short protein forms Y389C.
Identifiers: ClinVar variation 4978439 (VCV004978439.1).